The following is an entry in ClinVar:

ClinVar aggregate classification (germline): Uncertain significance (1 of 4 stars; one submission).

Conditions:
Early Myoclonic Encephalopathy. Identifiers: MedGen C0270855.

Allele frequency attached by ClinVar (database versions not stated): gnomAD 0.00001; gnomAD exomes below 0.00001; TOPMed 0.00001.
gnomAD v4.1: 5 of 1,612,256 alleles (0.00031%); highest among the groups gnomAD compares: Non-Finnish European, 0.00034%; no homozygotes.

Submission:

Labcorp Genetics (formerly Invitae), Labcorp
Classification: Uncertain significance for Early Myoclonic Encephalopathy. Last evaluated: 2024-03-04. Review status: criteria provided, single submitter. Criteria: Invitae Variant Classification Sherloc (09022015). Collection method: clinical testing. Allele origin: germline.
Comment: This sequence change replaces valine, which is neutral and non-polar, with methionine, which is neutral and non-polar, at codon 1892 of the JMJD1C protein (p.Val1892Met). This variant is present in population databases (no rsID available, gnomAD 0.0009%). This variant has not been reported in the literature in individuals affected with JMJD1C-related conditions. Advanced modeling of protein sequence and biophysical properties (such as structural, functional, and spatial information, amino acid conservation, physicochemical variation, residue mobility, and thermodynamic stability) performed at Invitae indicates that this missense variant is expected to disrupt JMJD1C protein function with a positive predictive value of 80%. In summary, the available evidence is currently insufficient to determine the role of this variant in disease. Therefore, it has been classified as a Variant of Uncertain Significance.

NM_032776.3(JMJD1C):c.5674G>A (p.Val1892Met)

Gene: JMJD1C (jumonji domain containing 1C; minus strand). Cytogenetic location: 10q21.3.
Variant type: single nucleotide variant.
Coding change: c.5674G>A on transcript NM_032776.3 (MANE Select); coding-DNA position 5674, G replaced by A.
Protein change: p.Val1892Met; replaces valine 1892 with methionine.
Molecular consequence: missense variant. On other transcripts: non-coding transcript variant (1).
Genome position (GRCh38, 1-based): chr10:63,194,346, C>T on the plus strand (G>A on the coding strand, the complement: JMJD1C is on the minus strand). VCF-style: chr10-63194346-C-T. GRCh37 (hg19) VCF-style: chr10-64954106-C-T.
Other names: c.5128G>A, p.Val1710Met (NM_001282948.2, NM_001318154.2); c.4810G>A, p.Val1604Met (NM_001318153.2); c.5560G>A, p.Val1854Met (NM_001322252.2); c.5017G>A, p.Val1673Met (NM_001322254.2, NM_001322258.2); short protein forms V1892M, V1673M, V1710M, V1854M, V1604M.
Identifiers: ClinVar variation 2978986 (VCV002978986.3), dbSNP rs1184623988, ClinGen allele CA377028336.